The following is an entry in ClinVar:

ClinVar aggregate classification (germline): Conflicting classifications of pathogenicity. Review status: criteria provided, conflicting classifications (1 of 4 stars). 3 submissions from 3 submitters: Uncertain significance (1); Likely benign (2). Last evaluated 2026-09-01.

Allele frequency attached by ClinVar (database versions not stated): gnomAD exomes 0.00002 and 0.00007; gnomAD 0.00003; ExAC 0.00004; TOPMed 0.00005.

Submissions (3):

CeGaT Center for Human Genetics Tuebingen
Classification: Likely benign. Last evaluated: 2026-09-01. Review status: criteria provided, single submitter. Criteria: CeGaT Center For Human Genetics Tuebingen Variant Classification Criteria Version 2. Collection method: clinical testing. Allele origin: germline. Affected: yes. Observed: 1 variant allele.
Comment: CCDC22: BS2

Ambry Genetics
Classification: Uncertain significance. Last evaluated: 2023-12-16. Review status: criteria provided, single submitter. Criteria: Ambry Variant Classification Scheme 2023. Collection method: clinical testing. Allele origin: germline.

GeneDx
Classification: Likely benign. Last evaluated: 2021-03-09. Review status: criteria provided, single submitter. Criteria: GeneDx Variant Classification Process June 2021. Collection method: clinical testing. Allele origin: germline. Affected: yes.
Comment: In silico analysis supports that this missense variant does not alter protein structure/function

NM_014008.5(CCDC22):c.586G>A (p.Val196Met)

Gene: CCDC22 (CCC complex scaffolding subunit CCDC22; plus strand). Cytogenetic location: Xp11.23.
Variant type: single nucleotide variant.
Coding change: c.586G>A on transcript NM_014008.5 (MANE Select); coding-DNA position 586, G replaced by A.
Protein change: p.Val196Met; replaces valine 196 with methionine.
Molecular consequence: missense variant.
Genome position (GRCh38, 1-based): chrX:49,243,334, G>A. VCF-style: chrX-49243334-G-A. GRCh37 (hg19) VCF-style: chrX-49099800-G-A.
Other names: short protein forms V196M.
Identifiers: ClinVar variation 1194570 (VCV001194570.4), dbSNP rs782660215, ClinGen allele CA10411283.
Genomic context (GRCh38, chrX:49,243,334, plus strand): 5'-CTGCCTCCAGAGCCACGGGAGTTCCAGGCGAGTCCCCTGCTGCTTCCAGTCCCTACCCAG[G>A]TGCCTCAGCCTGTTGGAAGGGTGGCCTCGCTCCTCGAACACCATGCCCTGCAGCTCTGCC-3'
Protein context (NP_054727.1, residues 186-206): SPLLLPVPTQ[Val196Met]PQPVGRVASL